The following is an entry in ClinVar:

ClinVar aggregate classification (germline): Uncertain significance. Review status: criteria provided, multiple submitters, no conflicts (2 of 4 stars). 2 submissions from 2 submitters: Uncertain significance (2). Last evaluated 2024-09-20.

Allele frequency attached by ClinVar (database versions not stated): gnomAD exomes below 0.00001; gnomAD 0.00003 and 0.00004; TOPMed 0.00003; ESP Exome Variant Server 0.00008.
gnomAD v4.1: 7 of 1,613,922 alleles (0.00043%); highest among the groups gnomAD compares: African/African-American, 0.0093%; no homozygotes.

Submissions (2):

Blueprint Genetics
Classification: Uncertain significance. Last evaluated: 2024-09-20. Review status: criteria provided, single submitter. Criteria: ACMG Guidelines, 2015. Collection method: clinical testing. Allele origin: germline.

Labcorp Genetics (formerly Invitae), Labcorp
Classification: Uncertain significance. Last evaluated: 2022-07-15. Review status: criteria provided, single submitter. Criteria: Invitae Variant Classification Sherloc (09022015). Collection method: clinical testing. Allele origin: germline.
Comment: This sequence change replaces histidine, which is basic and polar, with arginine, which is basic and polar, at codon 260 of the KIZ protein (p.His260Arg). This variant is present in population databases (rs371563884, gnomAD 0.01%). This variant has not been reported in the literature in individuals affected with KIZ-related conditions. ClinVar contains an entry for this variant (Variation ID: 1001198). Experimental studies and prediction algorithms are not available or were not evaluated, and the functional significance of this variant is currently unknown. In summary, the available evidence is currently insufficient to determine the role of this variant in disease. Therefore, it has been classified as a Variant of Uncertain Significance.

NM_018474.6(KIZ):c.779A>G (p.His260Arg)

Gene: KIZ (kizuna centrosomal protein; plus strand). Cytogenetic location: 20p11.23.
Variant type: single nucleotide variant.
Coding change: c.779A>G on transcript NM_018474.6 (MANE Select); coding-DNA position 779, A replaced by G.
Protein change: p.His260Arg; replaces histidine 260 with arginine.
Molecular consequence: missense variant.
Genome position (GRCh38, 1-based): chr20:21,162,244, A>G. VCF-style: chr20-21162244-A-G. GRCh37 (hg19) VCF-style: chr20-21142885-A-G.
Other names: c.470A>G, p.His157Arg (NM_001163022.3, NM_001352435.2); c.380A>G, p.His127Arg (NM_001163023.3); c.632A>G, p.His211Arg (NM_001276389.2); c.779A>G, p.His260Arg (NM_001352434.2); c.437A>G, p.His146Arg (NM_001352436.2); short protein forms H127R, H146R, H157R, H211R, H260R.
Identifiers: ClinVar variation 1001198 (VCV001001198.5), dbSNP rs371563884, ClinGen allele CA312979715.